The following is an entry in ClinVar:

NM_000257.4(MYH7):c.-8-6C>T

Gene: MYH7 (myosin heavy chain 7; minus strand). Cytogenetic location: 14q11.2.
Variant type: single nucleotide variant.
Coding change: c.-8-6C>T on transcript NM_000257.4 (MANE Select); 6 bases into the intron before 8 bases upstream of the start codon, C replaced by T.
Molecular consequence: intron variant.
Genome position (GRCh38, 1-based): chr14:23,433,746, G>A on the plus strand (C>T on the coding strand, the complement: MYH7 is on the minus strand). VCF-style: chr14-23433746-G-A. GRCh37 (hg19) VCF-style: chr14-23902955-G-A.
Other names: c.-8-6C>T (NM_001407004.1).
Identifiers: ClinVar variation 3074338 (VCV003074338.1), dbSNP rs1345326926, ClinGen allele CA704271300.

ClinVar aggregate classification (germline): Likely benign (1 of 4 stars; one submission).

Conditions:
Cardiomyopathy (CMYO). Also called: Cardiomyopathies. Identifiers: Orphanet 167848, MedGen C0878544, MONDO:0004994, HP:0001638. Inheritance: Various modes of inheritance.

Allele frequency attached by ClinVar (database versions not stated): TOPMed below 0.00001.

Submission:

All of Us Research Program, National Institutes of Health
Classification: Likely benign for Cardiomyopathy. Last evaluated: 2023-11-02. Review status: criteria provided, single submitter. Criteria: ACMG Guidelines, 2015. Collection method: clinical testing. Allele origin: germline. Inheritance: Autosomal dominant inheritance. Observed: 1 variant allele, 1 heterozygote.
Comment: This study involves interpretation of variants in research participants for the purpose of population health screening. Participant phenotype was not available at the time of variant classification. Additional details can be found in publication PMID: 35346344, PMCID: PMC8962531